The following is an entry in ClinVar:

ClinVar aggregate classification (germline): Pathogenic (1 of 4 stars; one submission).

Conditions:
Curry-Hall syndrome (WAD). Also called: WEYERS ACRODENTAL DYSOSTOSIS. Identifiers: Orphanet 952, MedGen C0457013, MONDO:0008673, OMIM 193530.
Ellis-van Creveld syndrome (EVC). Also called: MESOECTODERMAL DYSPLASIA; EVC-Related Ellis-van Creveld Syndrome; EVC2-Related Ellis-van Creveld Syndrome; Chondroectodermal dysplasia. Identifiers: Orphanet 289, MedGen C0013903, MONDO:0009162, OMIM 225500.

Submission:

Labcorp Genetics (formerly Invitae), Labcorp
Classification: Pathogenic for Curry-Hall syndrome; Ellis-van Creveld syndrome. Last evaluated: 2021-10-31. Review status: criteria provided, single submitter. Criteria: Invitae Variant Classification Sherloc (09022015). Collection method: clinical testing. Allele origin: germline.
Comment: For these reasons, this variant has been classified as Pathogenic. This variant has not been reported in the literature in individuals affected with EVC2-related conditions. This variant is not present in population databases (gnomAD no frequency). This sequence change creates a premature translational stop signal (p.Gln268*) in the EVC2 gene. It is expected to result in an absent or disrupted protein product. Loss-of-function variants in EVC2 are known to be pathogenic (PMID: 17024374, 19810119, 19876929).

Literature cited by the submitters: PubMed 17024374; PubMed 19810119; PubMed 19876929.

NM_147127.5(EVC2):c.802C>T (p.Gln268Ter)

Gene: EVC2 (EvC ciliary complex subunit 2; minus strand). Cytogenetic location: 4p16.2.
Variant type: single nucleotide variant.
Coding change: c.802C>T on transcript NM_147127.5 (MANE Select); coding-DNA position 802, C replaced by T.
Protein change: p.Gln268Ter; replaces glutamine 268 with a stop codon.
Molecular consequence: nonsense.
Genome position (GRCh38, 1-based): chr4:5,685,384, G>A on the plus strand (C>T on the coding strand, the complement: EVC2 is on the minus strand). VCF-style: chr4-5685384-G-A. GRCh37 (hg19) VCF-style: chr4-5687111-G-A.
Other names: c.562C>T, p.Gln188Ter (NM_001166136.2); short protein forms Q188*, Q268*.
Identifiers: ClinVar variation 1431836 (VCV001431836.7), dbSNP rs2151728030, ClinGen allele CA356146711.